The following is an entry in ClinVar:

NM_032119.4(ADGRV1):c.10426+13A>G

Gene: ADGRV1 (adhesion G protein-coupled receptor V1; plus strand). Cytogenetic location: 5q14.3.
Variant type: single nucleotide variant.
Coding change: c.10426+13A>G on transcript NM_032119.4 (MANE Select); 13 bases into the intron after coding-DNA position 10426, A replaced by G.
Molecular consequence: intron variant.
Genome position (GRCh38, 1-based): chr5:90,728,946, A>G. VCF-style: chr5-90728946-A-G. GRCh37 (hg19) VCF-style: chr5-90024763-A-G.
Identifiers: ClinVar variation 2113075 (VCV002113075.4), dbSNP rs2531369610, ClinGen allele CA2580073750.
Genomic context (GRCh38, chr5:90,728,946, plus strand): 5'-CTTCAGCCAATGATATTTACCTAATATTTGCCGAAAATGTCTTTCTAGGTGAGAAGATAA[A>G]GTATTTGTAGTGTATATATAATTATTGAAATCATCTAGCATTCATATGGTATATTTTATA-3'

ClinVar aggregate classification (germline): Uncertain significance (1 of 4 stars; one submission).

Allele frequency attached by ClinVar (database versions not stated): gnomAD exomes below 0.00001.
gnomAD v4.1: 3 of 1,537,846 alleles (0.0002%); highest among the groups gnomAD compares: African/African-American, 0.0027%; no homozygotes.

Submission:

Labcorp Genetics (formerly Invitae), Labcorp
Classification: Uncertain significance. Last evaluated: 2022-03-16. Review status: criteria provided, single submitter. Criteria: Invitae Variant Classification Sherloc (09022015). Collection method: clinical testing. Allele origin: germline.
Comment: This variant has not been reported in the literature in individuals affected with ADGRV1-related conditions. Algorithms developed to predict the effect of sequence changes on RNA splicing suggest that this variant may disrupt the consensus splice site. In summary, the available evidence is currently insufficient to determine the role of this variant in disease. Therefore, it has been classified as a Variant of Uncertain Significance. This variant is not present in population databases (gnomAD no frequency). This sequence change falls in intron 49 of the ADGRV1 gene. It does not directly change the encoded amino acid sequence of the ADGRV1 protein.